The following is an entry in ClinVar:

NM_172351.3(CD46):c.*503A>G

Gene: CD46 (CD46 molecule; plus strand). Cytogenetic location: 1q32.2.
Variant type: single nucleotide variant.
Coding change: c.*503A>G on transcript NM_172351.3 (MANE Select); 503 bases downstream of the stop codon, A replaced by G.
Molecular consequence: 3 prime UTR variant.
Genome position (GRCh38, 1-based): chr1:207,793,980, A>G. VCF-style: chr1-207793980-A-G. GRCh37 (hg19) VCF-style: chr1-207967325-A-G.
Other names: c.*503A>G (LRG_155t1, NM_172352.3, NM_172355.3 and 2 more transcripts); c.*389A>G (NM_153826.4, NM_172353.3, NM_172356.3 and 2 more transcripts); c.*385A>G (NM_172350.3, NM_172358.3).
Identifiers: ClinVar variation 294980 (VCV000294980.6), dbSNP rs2724390, ClinGen allele CA10608854.

ClinVar aggregate classification (germline): Benign. Review status: criteria provided, multiple submitters, no conflicts (2 of 4 stars). 2 submissions from 2 submitters: Benign (2). Last evaluated 2018-01-13.

Conditions:
Atypical hemolytic-uremic syndrome with MCP/CD46 anomaly. Also called: HEMOLYTIC UREMIC SYNDROME, ATYPICAL, SUSCEPTIBILITY TO, 2; AHUS, SUSCEPTIBILITY TO, 2. Identifiers: Orphanet 2134, MedGen C2752040, MONDO:0013040, OMIM 612922.

Allele frequency attached by ClinVar (database versions not stated): gnomAD 0.01961 and 0.02021; TOPMed 0.02595; 1000 Genomes Project 0.02656; gnomAD exomes 0.00900; 1000 Genomes Project 30x 0.02842.
gnomAD v4.1: 3,495 of 213,272 alleles (1.6%); highest among the groups gnomAD compares: African/African-American, 5.4%; 97 homozygotes.

Submissions (2):

Illumina Laboratory Services, Illumina
Classification: Benign for Atypical hemolytic-uremic syndrome with MCP/CD46 anomaly. Last evaluated: 2018-01-13. Review status: criteria provided, single submitter. Criteria: ICSL Variant Classification Criteria 13 December 2019. Collection method: clinical testing. Allele origin: germline.
Comment: This variant was observed in the ICSL laboratory as part of a predisposition screen in an ostensibly healthy population. It had not been previously curated by ICSL or reported in the Human Gene Mutation Database (HGMD: prior to June 1st, 2018), and was therefore a candidate for classification through an automated scoring system. Utilizing variant allele frequency, disease prevalence and penetrance estimates, and inheritance mode, an automated score was calculated to assess if this variant is too frequent to cause the disease. Based on the score and internal cut-off values, a variant classified as benign is not then subjected to further curation. The score for this variant resulted in a classification of benign for this disease.

Breakthrough Genomics
Classification: Benign. Review status: criteria provided, single submitter. Criteria: ACMG Guidelines, 2015. Collection method: not provided. Allele origin: germline. Inheritance: Autosomal recessive inheritance. Affected: yes.